The following is an entry in ClinVar:

NM_001130438.3(SPTAN1):c.363_363+18dup

Gene: SPTAN1 (spectrin alpha, non-erythrocytic 1; plus strand). Cytogenetic location: 9q34.11.
Variant type: Duplication.
Coding change: c.363_363+18dup on transcript NM_001130438.3 (MANE Select); coding-DNA position 363 through 18 bases into the intron after coding-DNA position 363, 19 bases duplicated (GGTGAGTATGAGTAGCTCG).
Molecular consequence: splice donor variant.
Genome position (GRCh38, 1-based): chr9:128,568,897-128,568,915, GGTGAGTATGAGTAGCTCG duplicated; duplicating any 19 consecutive bases within chr9:128,568,895-128,568,915 gives the same sequence; the c. name uses the placement nearest the transcript's 3' end. VCF-style (leftmost placement, unchanged base first): chr9-128568894-A-ACGGGTGAGTATGAGTAGCT. GRCh37 (hg19) VCF-style: chr9-131331173-A-ACGGGTGAGTATGAGTAGCT.
Other names: c.399_399+18dup (NM_001375318.1, NM_001375312.2); c.363_363+18dup (NM_001375311.2, NM_001375314.2, NM_001375310.1 and 5 more transcripts).
Identifiers: ClinVar variation 1959237 (VCV001959237.5), dbSNP rs2130861144, ClinGen allele CA2580079710.
Genomic context (GRCh38, chr9:128,568,894, plus strand): 5'-TAAGCTGGATGAAACTGGAAACCTGATGATCTCAGAAGGGCATTTTGCATCTGAAACCAT[A>ACGGGTGAGTATGAGTAGCT]CGGGTGAGTATGAGTAGCTCGTGGAGTGGATGGCTTCATCTGGGTGGAGCATTGTAGATT-3'

ClinVar aggregate classification (germline): Uncertain significance (1 of 4 stars; one submission).

Conditions:
Early-infantile DEE. Also called: Ohtahara syndrome; Early infantile epileptic encephalopathy with suppression bursts; Early infantile epileptic encephalopathy. Identifiers: Orphanet 1934, MedGen C0393706, MONDO:0800491.

Submission:

Labcorp Genetics (formerly Invitae), Labcorp
Classification: Uncertain significance for Early-infantile DEE. Last evaluated: 2022-05-31. Review status: criteria provided, single submitter. Criteria: Invitae Variant Classification Sherloc (09022015). Collection method: clinical testing. Allele origin: germline.
Comment: This sequence change falls in intron 3 of the SPTAN1 gene. It does not directly change the encoded amino acid sequence of the SPTAN1 protein. This variant is not present in population databases (gnomAD no frequency). This variant has not been reported in the literature in individuals affected with SPTAN1-related conditions. This variant is also known as c.362_363ins19 (p.Thr122Valfs*44). Algorithms developed to predict the effect of sequence changes on RNA splicing suggest that this variant may disrupt the consensus splice site. In summary, the available evidence is currently insufficient to determine the role of this variant in disease. Therefore, it has been classified as a Variant of Uncertain Significance.